The following is an entry in ClinVar:

NM_198578.4(LRRK2):c.358A>G (p.Lys120Glu)

Gene: LRRK2 (leucine rich repeat kinase 2; plus strand). Cytogenetic location: 12q12.
Variant type: single nucleotide variant.
Coding change: c.358A>G on transcript NM_198578.4 (MANE Select); coding-DNA position 358, A replaced by G.
Protein change: p.Lys120Glu; replaces lysine 120 with glutamic acid.
Molecular consequence: missense variant.
Genome position (GRCh38, 1-based): chr12:40,235,636, A>G. VCF-style: chr12-40235636-A-G. GRCh37 (hg19) VCF-style: chr12-40629438-A-G.
Other names: short protein forms K120E.
Identifiers: ClinVar variation 2567358 (VCV002567358.2), dbSNP rs2499402833, ClinGen allele CA384402644.

ClinVar aggregate classification (germline): Uncertain significance (1 of 4 stars; one submission).

Conditions:
Inborn genetic diseases. Identifiers: MedGen C0950123, MeSH D030342.

Submission:

Ambry Genetics
Classification: Uncertain significance for Inborn genetic diseases. Last evaluated: 2023-04-13. Review status: criteria provided, single submitter. Criteria: Ambry Variant Classification Scheme 2023. Collection method: clinical testing. Allele origin: germline.
Comment: The p.K120E variant (also known as c.358A>G), located in coding exon 4 of the LRRK2 gene, results from an A to G substitution at nucleotide position 358. The lysine at codon 120 is replaced by glutamic acid, an amino acid with similar properties. This amino acid position is conserved. In addition, this alteration is predicted to be tolerated by in silico analysis. Since supporting evidence is limited at this time, the clinical significance of this alteration remains unclear.